The following is an entry in ClinVar:

NM_001277313.2(FMN1):c.2583A>G (p.Ala861=)

Gene: FMN1 (formin 1; minus strand). Cytogenetic location: 15q13.3.
Variant type: single nucleotide variant.
Coding change: c.2583A>G on transcript NM_001277313.2 (MANE Select); coding-DNA position 2583, A replaced by G.
Protein change: p.Ala861=; no amino-acid change (alanine 861 retained).
Molecular consequence: synonymous variant.
Genome position (GRCh38, 1-based): chr15:32,969,118, T>C on the plus strand (A>G on the coding strand, the complement: FMN1 is on the minus strand). VCF-style: chr15-32969118-T-C. GRCh37 (hg19) VCF-style: chr15-33261319-T-C.
Other names: c.1914A>G, p.Ala638= (NM_001103184.4).
Identifiers: ClinVar variation 499141 (VCV000499141.37), dbSNP rs61740952, ClinGen allele CA7456919.
Genomic context (GRCh38, chr15:32,969,118, plus strand): 5'-GAGGGGCGGAGGGGGAGGGATGGATGCGGGAGGCGGAGGCAATGCCTTCTGCTGATTTGA[T>C]GCCATGCCCTCCATTGGCTGGAGTGCTGCATGGATGTCTTTGTGGTCATTTGGGGGTGAG-3'
Protein context (NP_001264242.1, residues 851-871): HAALQPMEGM[Ala861=]SNQQKALPPP

ClinVar aggregate classification (germline): Benign/Likely benign. Review status: criteria provided, multiple submitters, no conflicts (2 of 4 stars). 4 submissions from 4 submitters: Benign (1); Likely benign (3). Last evaluated 2025-12-25.

Allele frequency attached by ClinVar (database versions not stated): 1000 Genomes Project 30x 0.00125; 1000 Genomes Project 0.00140; gnomAD exomes 0.00285 and 0.00408; TOPMed 0.00286; gnomAD 0.00300 and 0.00310; ExAC 0.00308; ESP Exome Variant Server 0.00322.
gnomAD v4.1: 6,325 of 1,613,244 alleles (0.39%); highest among the groups gnomAD compares: Non-Finnish European, 0.49%; 19 homozygotes.

Submissions (4):

Labcorp Genetics (formerly Invitae), Labcorp
Classification: Benign. Last evaluated: 2025-12-25. Review status: criteria provided, single submitter. Criteria: Invitae Variant Classification Sherloc (09022015). Collection method: clinical testing. Allele origin: germline.

CeGaT Center for Human Genetics Tuebingen
Classification: Likely benign. Last evaluated: 2022-09-01. Review status: criteria provided, single submitter. Criteria: CeGaT Center For Human Genetics Tuebingen Variant Classification Criteria Version 2. Collection method: clinical testing. Allele origin: germline. Affected: yes. Observed: 2 variant alleles.
Comment: FMN1: BP4, BP7

Eurofins Ntd Llc (ga)
Classification: Likely benign. Last evaluated: 2017-01-11. Review status: criteria provided, single submitter. Criteria: EGL Classification Definitions 2015. Collection method: clinical testing. Allele origin: germline. Observed: 2 variant alleles, 2 heterozygotes.

Breakthrough Genomics
Classification: Likely benign. Review status: criteria provided, single submitter. Criteria: ACMG Guidelines, 2015. Collection method: not provided. Allele origin: germline. Inheritance: Unknown mechanism. Affected: yes.